The following is an entry in ClinVar:

NM_014975.3(MAST1):c.2864G>A (p.Arg955Gln)

Gene: MAST1 (microtubule associated serine/threonine kinase 1; plus strand). Cytogenetic location: 19p13.13.
Variant type: single nucleotide variant.
Coding change: c.2864G>A on transcript NM_014975.3 (MANE Select); coding-DNA position 2864, G replaced by A.
Protein change: p.Arg955Gln; replaces arginine 955 with glutamine.
Molecular consequence: missense variant.
Genome position (GRCh38, 1-based): chr19:12,869,156, G>A. VCF-style: chr19-12869156-G-A. GRCh37 (hg19) VCF-style: chr19-12979970-G-A.
Other names: short protein forms R955Q.
Identifiers: ClinVar variation 3123765 (VCV003123765.3), dbSNP rs544990322, ClinGen allele CA9233260.

ClinVar aggregate classification (germline): Conflicting classifications of pathogenicity. Review status: criteria provided, conflicting classifications (1 of 4 stars). 2 submissions from 2 submitters: Uncertain significance (1); Likely benign (1). Last evaluated 2025-01-06.

Conditions:
Inborn genetic diseases. Identifiers: MedGen C0950123, MeSH D030342.

Allele frequency attached by ClinVar (database versions not stated): gnomAD 0.00001; ExAC 0.00007; 1000 Genomes Project 30x 0.00016; 1000 Genomes Project 0.00020.
gnomAD v4.1: 39 of 1,614,130 alleles (0.0024%); highest among the groups gnomAD compares: Admixed American, 0.013%; no homozygotes.

Submissions (2):

Labcorp Genetics (formerly Invitae), Labcorp
Classification: Uncertain significance. Last evaluated: 2025-01-06. Review status: criteria provided, single submitter. Criteria: Invitae Variant Classification Sherloc (09022015). Collection method: clinical testing. Allele origin: germline.
Comment: This sequence change replaces arginine, which is basic and polar, with glutamine, which is neutral and polar, at codon 955 of the MAST1 protein (p.Arg955Gln). This variant is present in population databases (rs544990322, gnomAD 0.02%). This variant has not been reported in the literature in individuals affected with MAST1-related conditions. ClinVar contains an entry for this variant (Variation ID: 3123765). An algorithm developed to predict the effect of missense changes on protein structure and function (PolyPhen-2) suggests that this variant is likely to be disruptive. Algorithms developed to predict the effect of sequence changes on RNA splicing suggest that this variant may create or strengthen a splice site. In summary, the available evidence is currently insufficient to determine the role of this variant in disease. Therefore, it has been classified as a Variant of Uncertain Significance.

Ambry Genetics
Classification: Likely benign for Inborn genetic diseases. Last evaluated: 2023-09-29. Review status: criteria provided, single submitter. Criteria: Ambry Variant Classification Scheme 2023. Collection method: clinical testing. Allele origin: germline.